The following is an entry in ClinVar:

ClinVar aggregate classification (germline): Uncertain significance (1 of 4 stars; one submission).

Submission:

Labcorp Genetics (formerly Invitae), Labcorp
Classification: Uncertain significance. Last evaluated: 2024-03-05. Review status: criteria provided, single submitter. Criteria: Invitae Variant Classification Sherloc (09022015). Collection method: clinical testing. Allele origin: germline.
Comment: This sequence change replaces alanine, which is neutral and non-polar, with serine, which is neutral and polar, at codon 415 of the PPP2R1A protein (p.Ala415Ser). This variant is not present in population databases (gnomAD no frequency). This variant has not been reported in the literature in individuals affected with PPP2R1A-related conditions. Advanced modeling of protein sequence and biophysical properties (such as structural, functional, and spatial information, amino acid conservation, physicochemical variation, residue mobility, and thermodynamic stability) performed at Invitae indicates that this missense variant is not expected to disrupt PPP2R1A protein function with a negative predictive value of 80%. In summary, the available evidence is currently insufficient to determine the role of this variant in disease. Therefore, it has been classified as a Variant of Uncertain Significance.

NM_014225.6(PPP2R1A):c.1243G>T (p.Ala415Ser)

Gene: PPP2R1A (protein phosphatase 2 scaffold subunit Aalpha; plus strand). Cytogenetic location: 19q13.41.
Variant type: single nucleotide variant.
Coding change: c.1243G>T on transcript NM_014225.6 (MANE Select); coding-DNA position 1243, G replaced by T.
Protein change: p.Ala415Ser; replaces alanine 415 with serine.
Molecular consequence: missense variant. On other transcripts: non-coding transcript variant (1).
Genome position (GRCh38, 1-based): chr19:52,219,805, G>T. VCF-style: chr19-52219805-G-T. GRCh37 (hg19) VCF-style: chr19-52723058-G-T.
Other names: c.706G>T, p.Ala236Ser (NM_001363656.2); short protein forms A415S, A236S.
Identifiers: ClinVar variation 3644173 (VCV003644173.2).